The following is an entry in ClinVar:

GRCh37/hg19 13q13.2-14.11(chr13:35060982-44540846)x1

Genes: CCDC169 (coiled-coil domain containing 169; minus strand), FOXO1 (forkhead box O1; minus strand), FREM2 (FRAS1 related extracellular matrix 2; plus strand), SERTM1 (serine rich and transmembrane domain containing 1; plus strand), SLC25A15 (solute carrier family 25 member 15; plus strand) and 39 more. Cytogenetic location: 13q13.2-14.11.
Variant type: copy number loss.
Change: copy number 1 (one copy instead of two) of chr13:35,060,982-44,540,846 (9.48 Mb, GRCh37 coordinates, 1-based), cytogenetic band 13q13.2-14.11.
Identifiers: ClinVar variation 3063306 (VCV003063306.2).

ClinVar aggregate classification (germline): no classifications from unflagged records (0 of 4 stars; one submission).

Submission:

ARUP Laboratories, Cytogenetics and Genomic Microarray, ARUP Laboratories
Classification: Pathogenic. Last evaluated: 2021-03-01. Review status: flagged submission. Criteria: ARUP Cytogenomic Constitutional CNV Assertion Criteria. Collection method: clinical testing. Allele origin: germline. Observed: 1 variant allele.
ClinVar note: Notes: This submission was flagged because its interpretation of this variant conflicts with the ClinGen Gene Dosage Map curation for the gene NBEA.
ClinVar note: Reason: Conflict with ClinGen Gene Dosage Map